The following is an entry in ClinVar:

ClinVar aggregate classification (germline): Uncertain significance. Review status: criteria provided, multiple submitters, no conflicts (2 of 4 stars). 3 submissions from 3 submitters: Uncertain significance (3). Last evaluated 2024-06-11.

Conditions:
Neonatal-onset encephalopathy with rigidity and seizures. Also called: Lethal neonatal spasticity-epileptic encephalopathy syndrome. Identifiers: Orphanet 435845, MedGen C3281029, MONDO:0013784, OMIM 614498.
Inborn genetic diseases. Identifiers: MedGen C0950123, MeSH D030342.

Allele frequency attached by ClinVar (database versions not stated): TOPMed 0.00001; ExAC 0.00003; ESP Exome Variant Server 0.00008.
gnomAD v4.1: 47 of 1,567,064 alleles (0.003%); highest among the groups gnomAD compares: Admixed American, 0.0087%; no homozygotes.

Submissions (3):

GeneDx
Classification: Uncertain significance. Last evaluated: 2024-06-11. Review status: criteria provided, single submitter. Criteria: GeneDx Variant Classification Process June 2021. Collection method: clinical testing. Allele origin: germline. Affected: yes.
Comment: Not observed at significant frequency in large population cohorts (gnomAD); In silico analysis indicates that this missense variant does not alter protein structure/function; Has not been previously published as pathogenic or benign to our knowledge

Ambry Genetics
Classification: Uncertain significance for Inborn genetic diseases. Last evaluated: 2023-04-05. Review status: criteria provided, single submitter. Criteria: Ambry Variant Classification Scheme 2023. Collection method: clinical testing. Allele origin: germline.

Labcorp Genetics (formerly Invitae), Labcorp
Classification: Uncertain significance for Neonatal-onset encephalopathy with rigidity and seizures. Last evaluated: 2022-10-25. Review status: criteria provided, single submitter. Criteria: Invitae Variant Classification Sherloc (09022015). Collection method: clinical testing. Allele origin: germline.
Comment: This sequence change replaces alanine, which is neutral and non-polar, with serine, which is neutral and polar, at codon 451 of the BRAT1 protein (p.Ala451Ser). The frequency data for this variant in the population databases is considered unreliable, as metrics indicate poor data quality at this position in the gnomAD database. This variant has not been reported in the literature in individuals affected with BRAT1-related conditions. ClinVar contains an entry for this variant (Variation ID: 540160). Advanced modeling of protein sequence and biophysical properties (such as structural, functional, and spatial information, amino acid conservation, physicochemical variation, residue mobility, and thermodynamic stability) performed at Invitae indicates that this missense variant is not expected to disrupt BRAT1 protein function. In summary, the available evidence is currently insufficient to determine the role of this variant in disease. Therefore, it has been classified as a Variant of Uncertain Significance.

NM_152743.4(BRAT1):c.1351G>T (p.Ala451Ser)

Gene: BRAT1 (BRCA1 associated ATM activator 1; minus strand). Cytogenetic location: 7p22.3.
Variant type: single nucleotide variant.
Coding change: c.1351G>T on transcript NM_152743.4 (MANE Select); coding-DNA position 1351, G replaced by T.
Protein change: p.Ala451Ser; replaces alanine 451 with serine.
Molecular consequence: missense variant. On other transcripts: non-coding transcript variant (1).
Genome position (GRCh38, 1-based): chr7:2,541,023, C>A on the plus strand (G>T on the coding strand, the complement: BRAT1 is on the minus strand). VCF-style: chr7-2541023-C-A. GRCh37 (hg19) VCF-style: chr7-2580657-C-A.
Other names: c.1351G>T, p.Ala451Ser (NM_001350626.2); c.826G>T, p.Ala276Ser (NM_001350627.2); short protein forms A451S, A276S.
Identifiers: ClinVar variation 540160 (VCV000540160.10), dbSNP rs138276986, ClinGen allele CA4127796.